The following is an entry in ClinVar:

NM_000548.5(TSC2):c.1837C>T (p.Gln613Ter)

Gene: TSC2 (TSC complex subunit 2; plus strand). Cytogenetic location: 16p13.3.
Variant type: single nucleotide variant.
Coding change: c.1837C>T on transcript NM_000548.5 (MANE Select); coding-DNA position 1837, C replaced by T.
Protein change: p.Gln613Ter; replaces glutamine 613 with a stop codon.
Molecular consequence: nonsense.
Genome position (GRCh38, 1-based): chr16:2,070,576, C>T. VCF-style: chr16-2070576-C-T. GRCh37 (hg19) VCF-style: chr16-2120577-C-T.
Other names: c.1837C>T, p.Gln613Ter (NM_001077183.3, NM_001114382.3, NM_001363528.2 and 3 more transcripts); c.1726C>T, p.Gln576Ter (NM_001318827.2); c.1690C>T, p.Gln564Ter (NM_001318829.2); c.1237C>T, p.Gln413Ter (NM_001318831.2); c.1870C>T, p.Gln624Ter (NM_001318832.2); short protein forms Q613*, Q576*, Q624*, Q413*, Q564*.
Identifiers: ClinVar variation 49684 (VCV000049684.3), dbSNP rs45480292, ClinGen allele CA015927.
Genomic context (GRCh38, chr16:2,070,576, plus strand): 5'-CACATTCAGCTCCACTACAAGCACAGCTACACCCTGCCAATCGCGAGCAGCATCCGGCTG[C>T]AGGTATGGTGGCTGGGGTTGCGCAGCCAGTTCCTGGGGGCCCAGCCAGGTATCCCCGTCT-3'

ClinVar aggregate classification (germline): Pathogenic. Review status: criteria provided, single submitter (1 of 4 stars). 3 submissions from 2 submitters: Pathogenic (1). 2 of the submissions do not count toward it. Last evaluated 2025-02-10.

Conditions:
Lymphangiomyomatosis (LAM). Also called: Lymphangioleiomyomatosis; Lymphangioleiomyomatosis, somatic. Identifiers: Orphanet 538, MedGen C0751674, MONDO:0011705, OMIM 606690.
Tuberous sclerosis syndrome (TSC). Also called: Tuberous Sclerosis Complex; Tuberous sclerosis. Identifiers: Orphanet 805, MedGen C0041341, MONDO:0001734.

Allele frequency attached by ClinVar (database versions not stated): gnomAD exomes below 0.00001.
gnomAD v4.1: 1 of 1,613,070 alleles (0.000062%); highest among the groups gnomAD compares: Non-Finnish European, 0.000085%; no homozygotes.

Submissions (3):

GeneDx
Classification: Pathogenic. Last evaluated: 2025-02-10. Review status: criteria provided, single submitter. Criteria: GeneDx Variant Classification Process June 2021. Collection method: clinical testing. Allele origin: germline. Affected: yes.
Comment: Nonsense variant predicted to result in protein truncation or nonsense mediated decay in a gene for which loss of function is a known mechanism of disease; Not observed at significant frequency in large population cohorts (gnomAD); Reported in a patient with tuberous sclerosis complex; however, specific clinical information was not provided (PMID: 32917966); This variant is associated with the following publications: (PMID: 32917966)

Tuberous sclerosis database (TSC2)
No classification provided. Condition: TSC. Review status: no classification provided. Criteria: Tuberous Sclerosis Database Assertion Criteria 2015. Collection method: curation. Allele origin: germline. Affected: yes. Not counted in ClinVar's aggregate classification.

Tuberous sclerosis database (TSC2)
No classification provided. Condition: LAM. Review status: no classification provided. Criteria: Tuberous Sclerosis Database Assertion Criteria 2015. Collection method: curation. Allele origin: germline. Affected: yes. Not counted in ClinVar's aggregate classification.